The following is an entry in ClinVar:

ClinVar aggregate classification (germline): Pathogenic/Likely pathogenic. Review status: criteria provided, multiple submitters, no conflicts (2 of 4 stars). 4 submissions from 4 submitters: Pathogenic (2); Likely pathogenic (2). Last evaluated 2025-05-30.

Conditions:
Fanconi anemia (FA). Also called: Fanconi's anemia. Identifiers: Orphanet 84, MedGen C0015625, MeSH D005199, MONDO:0019391.
Fanconi anemia complementation group I (FANCI). Also called: FANCI-Related Fanconi Anemia. Identifiers: Orphanet 84, MedGen C1836861, MONDO:0012186, OMIM 609053.

Allele frequency attached by ClinVar (database versions not stated): TOPMed below 0.00001; gnomAD 0.00001; gnomAD exomes 0.00001 and 0.00004; ExAC 0.00002; ESP Exome Variant Server 0.00008.
gnomAD v4.1: 63 of 1,614,070 alleles (0.0039%); highest among the groups gnomAD compares: Non-Finnish European, 0.0051%; no homozygotes.

Submissions (4):

Labcorp Genetics (formerly Invitae), Labcorp
Classification: Pathogenic for Fanconi anemia. Last evaluated: 2025-05-30. Review status: criteria provided, single submitter. Criteria: Invitae Variant Classification Sherloc (09022015). Collection method: clinical testing. Allele origin: germline.
Comment: This sequence change creates a premature translational stop signal (p.Lys808*) in the FANCI gene. It is expected to result in an absent or disrupted protein product. Loss-of-function variants in FANCI are known to be pathogenic (PMID: 17452773, 17460694). This variant is present in population databases (rs375656231, gnomAD 0.002%). This premature translational stop signal has been observed in individual(s) with breast or prostate cancer (PMID: 26296701, 29439820). ClinVar contains an entry for this variant (Variation ID: 208639). Algorithms developed to predict the effect of sequence changes on RNA splicing suggest that this variant may disrupt the consensus splice site. For these reasons, this variant has been classified as Pathogenic.

Baylor Genetics
Classification: Likely pathogenic for Fanconi anemia complementation group I. Last evaluated: 2024-03-01. Review status: criteria provided, single submitter. Criteria: ACMG Guidelines, 2015. Collection method: clinical testing. Allele origin: unknown.

Daryl Scott Lab, Baylor College of Medicine
Classification: Pathogenic for Fanconi anemia complementation group I. Last evaluated: 2020-11-11. Review status: criteria provided, single submitter. Criteria: ACMG Guidelines, 2015. Collection method: clinical testing. Allele origin: maternal. Observed: 1 variant allele.

Center for Individualized Medicine, Mayo Clinic
Classification: Likely pathogenic for Fanconi anemia complementation group I. Last evaluated: 2014-01-01. Review status: criteria provided, single submitter. Criteria: ACMG Guidelines, 2007. Collection method: research. Allele origin: germline. Affected: no. Study: Breast Cancer Genome Guided Therapy Study (BEAUTY).

Literature cited by the submitters: PubMed 17452773 (cited by Labcorp Genetics (formerly Invitae), Labcorp); PubMed 17460694 (cited by Labcorp Genetics (formerly Invitae), Labcorp); PubMed 26296701 (cited by Labcorp Genetics (formerly Invitae), Labcorp and Center for Individualized Medicine, Mayo Clinic); PubMed 29439820 (cited by Labcorp Genetics (formerly Invitae), Labcorp); PubMed 33461977 (cited by Daryl Scott Lab, Baylor College of Medicine).

NM_001113378.2(FANCI):c.2422A>T (p.Lys808Ter)

Gene: FANCI (FA complementation group I; plus strand). Cytogenetic location: 15q26.1.
Variant type: single nucleotide variant.
Coding change: c.2422A>T on transcript NM_001113378.2 (MANE Select); coding-DNA position 2422, A replaced by T.
Protein change: p.Lys808Ter; replaces lysine 808 with a stop codon.
Molecular consequence: nonsense.
Genome position (GRCh38, 1-based): chr15:89,293,963, A>T. VCF-style: chr15-89293963-A-T. GRCh37 (hg19) VCF-style: chr15-89837194-A-T.
Other names: c.2143A>T, p.Lys715Ter (NM_001376910.1); c.2422A>T, p.Lys808Ter (NM_001376911.1, NM_018193.3); short protein forms K808*, K715*.
Identifiers: ClinVar variation 208639 (VCV000208639.14), dbSNP rs375656231, ClinGen allele CA276032.
Genomic context (GRCh38, chr15:89,293,963, plus strand): 5'-AAAGCGGGTAAAGCCAAAACTAAAATGGCCAACAAGACAAGTGATAGTCTTTTGTCCATG[A>T]AATTTGTGTCCAGTCTTCTCACTGCTCTTTTCAGGTAAGGTTCTGCTAGAGTGCTTAAAG-3'